The following is an entry in ClinVar:

NM_001080449.3(DNA2):c.1487A>G (p.Tyr496Cys)

Gene: DNA2 (DNA replication helicase/nuclease 2; minus strand). Cytogenetic location: 10q21.3.
Variant type: single nucleotide variant.
Coding change: c.1487A>G on transcript NM_001080449.3 (MANE Select); coding-DNA position 1487, A replaced by G.
Protein change: p.Tyr496Cys; replaces tyrosine 496 with cysteine.
Molecular consequence: missense variant. On other transcripts: non-coding transcript variant (1).
Genome position (GRCh38, 1-based): chr10:68,437,170, T>C on the plus strand (A>G on the coding strand, the complement: DNA2 is on the minus strand). VCF-style: chr10-68437170-T-C. GRCh37 (hg19) VCF-style: chr10-70196927-T-C.
Other names: c.1487A>G (NM_001080449.2); short protein forms Y496C.
Identifiers: ClinVar variation 2054871 (VCV002054871.6), dbSNP rs373356590, ClinGen allele CA5525057.
Genomic context (GRCh38, chr10:68,437,170, plus strand): 5'-TCACCTGCCATTAGATTTGTGACAGGTATGGCACCATGTTTACATTGGAAATTATGTAAA[T>C]ATTGCCCATCACAAACTATCTTTACATGTTCCATTCTAATCAGGTTTCCAATGCAACTGC-3'
Protein context (NP_001073918.2, residues 486-506): EHVKIVCDGQ[Tyr496Cys]LHNFQCKHGA

ClinVar aggregate classification (germline): Uncertain significance. Review status: criteria provided, multiple submitters, no conflicts (2 of 4 stars). 2 submissions from 2 submitters: Uncertain significance (2). Last evaluated 2026-02-01.

Allele frequency attached by ClinVar (database versions not stated): ExAC 0.00027; ESP Exome Variant Server 0.00017; TOPMed 0.00017; gnomAD 0.00013; gnomAD exomes 0.00030.
gnomAD v4.1: 449 of 1,613,728 alleles (0.028%); highest among the groups gnomAD compares: Non-Finnish European, 0.037%; no homozygotes.

Submissions (2):

Labcorp Genetics (formerly Invitae), Labcorp
Classification: Uncertain significance. Last evaluated: 2026-02-01. Review status: criteria provided, single submitter. Criteria: Invitae Variant Classification Sherloc (09022015). Collection method: clinical testing. Allele origin: germline.
Comment: This sequence change replaces tyrosine, which is neutral and polar, with cysteine, which is neutral and slightly polar, at codon 496 of the DNA2 protein (p.Tyr496Cys). This variant is present in population databases (rs373356590, gnomAD 0.05%). This variant has not been reported in the literature in individuals affected with DNA2-related conditions. ClinVar contains an entry for this variant (Variation ID: 2054871). Invitae Evidence Modeling of protein sequence and biophysical properties (such as structural, functional, and spatial information, amino acid conservation, physicochemical variation, residue mobility, and thermodynamic stability) has been performed for this missense variant. However, the output from this modeling did not meet the statistical confidence thresholds required to predict the impact of this variant on DNA2 protein function. In summary, the available evidence is currently insufficient to determine the role of this variant in disease. Therefore, it has been classified as a Variant of Uncertain Significance.

GeneDx
Classification: Uncertain significance. Last evaluated: 2024-04-23. Review status: criteria provided, single submitter. Criteria: GeneDx Variant Classification Process June 2021. Collection method: clinical testing. Allele origin: germline.
Comment: In silico analysis supports that this missense variant has a deleterious effect on protein structure/function; Has not been previously published as pathogenic or benign to our knowledge